The following is an entry in ClinVar:

NM_000057.4(BLM):c.1555T>G (p.Tyr519Asp)

Gene: BLM (BLM RecQ like helicase; plus strand). Cytogenetic location: 15q26.1.
Variant type: single nucleotide variant.
Coding change: c.1555T>G on transcript NM_000057.4 (MANE Select); coding-DNA position 1555, T replaced by G.
Protein change: p.Tyr519Asp; replaces tyrosine 519 with aspartic acid.
Molecular consequence: missense variant.
Genome position (GRCh38, 1-based): chr15:90,760,928, T>G. VCF-style: chr15-90760928-T-G. GRCh37 (hg19) VCF-style: chr15-91304158-T-G.
Other names: c.1555T>G, p.Tyr519Asp (NM_001287246.2, NM_001287247.2); c.430T>G, p.Tyr144Asp (NM_001287248.2); short protein forms Y144D, Y519D.
Identifiers: ClinVar variation 846836 (VCV000846836.11), dbSNP rs1895964366, ClinGen allele CA393843317.

ClinVar aggregate classification (germline): Uncertain significance (1 of 4 stars; one submission).

Conditions:
Bloom syndrome (BLM). Also called: Bloom-Torre-Machacek syndrome. Identifiers: Orphanet 125, MedGen C0005859, MONDO:0008876, OMIM 210900.

Submission:

Labcorp Genetics (formerly Invitae), Labcorp
Classification: Uncertain significance for Bloom syndrome. Last evaluated: 2019-12-19. Review status: criteria provided, single submitter. Criteria: Invitae Variant Classification Sherloc (09022015). Collection method: clinical testing. Allele origin: germline.
Comment: This sequence change replaces tyrosine with aspartic acid at codon 519 of the BLM protein (p.Tyr519Asp). The tyrosine residue is weakly conserved and there is a large physicochemical difference between tyrosine and aspartic acid. In summary, the available evidence is currently insufficient to determine the role of this variant in disease. Therefore, it has been classified as a Variant of Uncertain Significance. Algorithms developed to predict the effect of missense changes on protein structure and function output the following: SIFT: "Deleterious"; PolyPhen-2: "Benign"; Align-GVGD: "Class C0". The aspartic acid amino acid residue is found in multiple mammalian species, suggesting that this missense change does not adversely affect protein function. These predictions have not been confirmed by published functional studies and their clinical significance is uncertain. This variant has not been reported in the literature in individuals with BLM-related conditions. This variant is not present in population databases (ExAC no frequency).